The following is an entry in ClinVar:

ClinVar aggregate classification (germline): Conflicting classifications of pathogenicity. Review status: criteria provided, conflicting classifications (1 of 4 stars). 3 submissions from 3 submitters: Uncertain significance (2); Likely benign (1). Last evaluated 2024-06-28.

Conditions:
Cardiomyopathy (CMYO). Also called: Cardiomyopathies. Identifiers: Orphanet 167848, MedGen C0878544, MONDO:0004994, HP:0001638. Inheritance: Various modes of inheritance.
Cardiovascular phenotype. Identifiers: MedGen CN230736.

Allele frequency attached by ClinVar (database versions not stated): gnomAD exomes 0.00001.
gnomAD v4.1: 3 of 1,613,868 alleles (0.00019%); highest among the groups gnomAD compares: Non-Finnish European, 0.00025%; no homozygotes.

Submissions (3):

GeneDx
Classification: Uncertain significance. Last evaluated: 2024-06-28. Review status: criteria provided, single submitter. Criteria: GeneDx Variant Classification Process June 2021. Collection method: clinical testing. Allele origin: germline. Affected: yes.
Comment: Not observed at significant frequency in large population cohorts (gnomAD); Missense variant in a gene in which most reported pathogenic variants are truncating/loss of function; Has not been previously published as pathogenic or benign to our knowledge

CHEO Genetics Diagnostic Laboratory, Children's Hospital of Eastern Ontario
Classification: Likely benign for Cardiomyopathy. Last evaluated: 2023-05-16. Review status: criteria provided, single submitter. Criteria: ACMG Guidelines, 2015. Collection method: clinical testing. Allele origin: germline.

Ambry Genetics
Classification: Uncertain significance for Cardiovascular phenotype. Last evaluated: 2017-03-03. Review status: criteria provided, single submitter. Criteria: Ambry Variant Classification Scheme 2023. Collection method: clinical testing. Allele origin: germline.
Comment: The p.Y3535D variant (also known as c.10603T>G), located in coding exon 44 of the TTN gene, results from a T to G substitution at nucleotide position 10603. The tyrosine at codon 3535 is replaced by aspartic acid, an amino acid with highly dissimilar properties. This amino acid position is not well conserved in available vertebrate species. In addition, this alteration is predicted to be tolerated by in silico analysis. Since supporting evidence is limited at this time, the clinical significance of this alteration remains unclear.

NM_001267550.2(TTN):c.11692T>G (p.Tyr3898Asp)

Gene: TTN (titin; minus strand). Cytogenetic location: 2q31.2.
Variant type: single nucleotide variant.
Coding change: c.11692T>G on transcript NM_001267550.2 (MANE Select); coding-DNA position 11692, T replaced by G.
Protein change: p.Tyr3898Asp; replaces tyrosine 3898 with aspartic acid.
Molecular consequence: missense variant. On other transcripts: intron variant (1).
Genome position (GRCh38, 1-based): chr2:178,741,541, A>C on the plus strand (T>G on the coding strand, the complement: TTN is on the minus strand). VCF-style: chr2-178741541-A-C. GRCh37 (hg19) VCF-style: chr2-179606268-A-C.
Other names: c.10741T>G, p.Tyr3581Asp (NM_001256850.1); c.10603T>G, p.Tyr3535Asp (NM_003319.4); c.10978T>G, p.Tyr3660Asp (NM_133432.3); c.11179T>G, p.Tyr3727Asp (NM_133437.4); c.10361-3181T>G (NM_133378.4); c.11692T>G (NM_001267550.1); short protein forms Y3535D, Y3898D, Y3727D, Y3581D, Y3660D.
Identifiers: ClinVar variation 519154 (VCV000519154.7), dbSNP rs1553941743, ClinGen allele CA349620002.